The following is an entry in ClinVar:

NM_005918.4(MDH2):c.398C>T (p.Pro133Leu)

Gene: MDH2 (malate dehydrogenase 2; plus strand). Cytogenetic location: 7q11.23.
Variant type: single nucleotide variant.
Coding change: c.398C>T on transcript NM_005918.4 (MANE Select); coding-DNA position 398, C replaced by T.
Protein change: p.Pro133Leu; replaces proline 133 with leucine.
Molecular consequence: missense variant.
Genome position (GRCh38, 1-based): chr7:76,058,047, C>T. VCF-style: chr7-76058047-C-T. GRCh37 (hg19) VCF-style: chr7-75687365-C-T.
Other names: c.398C>T, p.Pro133Leu (NM_001282403.2); c.77C>T, p.Pro26Leu (NM_001282404.2); short protein forms P133L, P26L.
Identifiers: ClinVar variation 265769 (VCV000265769.27), dbSNP rs375002796, ClinGen allele CA4305516.

ClinVar aggregate classification (germline): Pathogenic/Likely pathogenic. Review status: criteria provided, multiple submitters, no conflicts (2 of 4 stars). 12 submissions from 12 submitters: Pathogenic (8); Likely pathogenic (2). 2 of the submissions do not count toward it. Last evaluated 2026-05-01.

Conditions:
Developmental and epileptic encephalopathy, 51 (DEE51). Also called: Epileptic encephalopathy, early infantile, 51. Identifiers: MedGen C4479208, MONDO:0015025, OMIM 617339.
MDH2-related disorder. Also called: MDH2-related condition.
Infantile encephalopathy. Identifiers: MedGen C1856408, HP:0007105.

Allele frequency attached by ClinVar (database versions not stated): gnomAD 0.00003; TOPMed 0.00003; gnomAD exomes 0.00005 and 0.00006; ExAC 0.00006; ESP Exome Variant Server 0.00008.
gnomAD v4.1: 85 of 1,613,540 alleles (0.0053%); highest among the groups gnomAD compares: Admixed American, 0.01%; no homozygotes.

Submissions (12):

GeneDx
Classification: Pathogenic. Last evaluated: 2026-05-01. Review status: criteria provided, single submitter. Criteria: GeneDx Variant Classification Process June 2021. Collection method: clinical testing. Allele origin: germline.
Comment: Published functional studies demonstrate a damaging effect (p.P133L expressed in yeast with knockout failed to rescue knockout growth-deficiency, suggesting P133L significantly disrupts aerobic respiration) (PMID: 27989324); In silico analysis supports that this missense variant has a deleterious effect on protein structure/function; This variant is associated with the following publications: (PMID: 27989324, 34827632, 34766628, 36079864, 35008954, 34712577, 36420423, 39233469, 38084664, 38425868)

Center for Genomic Medicine, Rigshospitalet, Copenhagen University Hospital
Classification: Likely pathogenic. Last evaluated: 2026-04-27. Review status: criteria provided, single submitter. Criteria: ACMG Guidelines, 2015. Collection method: clinical testing. Allele origin: germline.

CeGaT Center for Human Genetics Tuebingen
Classification: Likely pathogenic. Last evaluated: 2025-09-01. Review status: criteria provided, single submitter. Criteria: CeGaT Center For Human Genetics Tuebingen Variant Classification Criteria Version 2. Collection method: clinical testing. Allele origin: germline. Affected: yes. Observed: 1 variant allele.
Comment: MDH2: PM3:Strong, PM2:Supporting, PP3, PS3:Supporting

PreventionGenetics, part of Exact Sciences
Classification: Pathogenic for MDH2-related condition. Last evaluated: 2025-08-19. Review status: criteria provided, single submitter. Criteria: ACMG Guidelines, 2015. Collection method: clinical testing. Allele origin: germline.
Comment: The MDH2 c.398C>T variant is predicted to result in the amino acid substitution p.Pro133Leu. This variant has been reported in the compound heterozygous state with a second MDH2 variant in at least five individuals with autosomal recessive malate dehydrogenase deficiency (Ait-El-Mkadem et al. 2017. PubMed ID: 27989324; Laemmle et al. 2021. PubMed ID: 34712577; Priestley et al. 2022. PubMed ID: 36420423). In vitro studies of patient fibroblasts (same studies) demonstrated that this variant leads to a loss of malate dehydrogenase activity and disrupted mitochondrial respiration (Ait-El-Mkadem et al. 2017. PubMed ID: 27989324; Laemmle et al. 2021. PubMed ID: 34712577; Priestley et al. 2022. PubMed ID: 36420423). Further complementation studies revealed that expression of yeast MDH2 protein bearing the p.Pro128Leu variant (yeast equivalent of human p.Pro133Leu) was unable to restore normal growth in an MDH2-deficient strain (Ait-El-Mkadem et al. 2017. PubMed ID: 27989324). This variant is reported in 0.020% of alleles in individuals of Latino descent in gnomAD. Taken together, this variant is interpreted as pathogenic.

Labcorp Genetics (formerly Invitae), Labcorp
Classification: Pathogenic. Last evaluated: 2025-07-25. Review status: criteria provided, single submitter. Criteria: Invitae Variant Classification Sherloc (09022015). Collection method: clinical testing. Allele origin: germline.
Comment: This sequence change replaces proline, which is neutral and non-polar, with leucine, which is neutral and non-polar, at codon 133 of the MDH2 protein (p.Pro133Leu). This variant is present in population databases (rs375002796, gnomAD 0.01%). This missense change has been observed in individual(s) with MDH2-related conditions (PMID: 27989324, 34712577). In at least one individual the data is consistent with being in trans (on the opposite chromosome) from a pathogenic variant. ClinVar contains an entry for this variant (Variation ID: 265769). Invitae Evidence Modeling of protein sequence and biophysical properties (such as structural, functional, and spatial information, amino acid conservation, physicochemical variation, residue mobility, and thermodynamic stability) indicates that this missense variant is expected to disrupt MDH2 protein function with a positive predictive value of 80%. Experimental studies have shown that this missense change affects MDH2 function (PMID: 27989324). For these reasons, this variant has been classified as Pathogenic.

Genomic Medicine Center of Excellence, King Faisal Specialist Hospital and Research Centre
Classification: Pathogenic for Developmental and epileptic encephalopathy, 51. Last evaluated: 2024-12-18. Review status: criteria provided, single submitter. Criteria: ACMG Guidelines, 2015. Collection method: clinical testing. Allele origin: germline.

Women's Health and Genetics/Laboratory Corporation of America, LabCorp
Classification: Pathogenic for Developmental and epileptic encephalopathy, 51. Last evaluated: 2023-10-17. Review status: criteria provided, single submitter. Criteria: LabCorp Variant Classification Summary - May 2015. Collection method: clinical testing. Allele origin: germline.
Comment: Variant summary: MDH2 c.398C>T (p.Pro133Leu) results in a non-conservative amino acid change located in the Lactate/malate dehydrogenase, N-terminal domain (IPR001236) of the encoded protein sequence. Five of five in-silico tools predict a damaging effect of the variant on protein function. The variant allele was found at a frequency of 5.2e-05 in 250528 control chromosomes (gnomAD). c.398C>T has been reported in the literature in individuals affected with MDH2 deficiency/MDH2 related disorders (examples: Ait-El-Mkadem_2017, Laemmle_2021, Priestley_2022). These data indicate that the variant is likely to be associated with disease. At least one publication reports experimental evidence evaluating an impact on protein function. This variant (Yeast P128L) protein failed to rescue the growth defect of yeast MDH2 null strain, suggesting P133L significantly disrupts aerobic respiration (examples: Ait-El-Mkadem_2017). The following publications have been ascertained in the context of this evaluation (PMID: 27989324, 34712577, 36420423). Three submitters have cited clinical-significance assessments for this variant to ClinVar after 2014. All submitters classified the variant as pathogenic/likely pathogenic. Based on the evidence outlined above, the variant was classified as pathogenic.

Blueprint Genetics
Classification: Pathogenic for MDH2-related disorders. Last evaluated: 2021-09-01. Review status: criteria provided, single submitter. Criteria: ACMG Guidelines, 2015. Collection method: clinical testing. Allele origin: germline. Affected: yes. Observed: 4 variant alleles.

Baylor Genetics
Classification: Pathogenic for Developmental and epileptic encephalopathy, 51. Last evaluated: 2019-03-27. Review status: criteria provided, single submitter. Criteria: ACMG Guidelines, 2015. Collection method: clinical testing. Allele origin: paternal. Affected: yes.
Comment: This variant was determined to be pathogenic according to ACMG Guidelines, 2015 [PMID:25741868]. This variant has been previously reported as disease-causing in multiple families [PMID 27989324]

Department of Metabolic Diseases, Wilhelmina Children's Hospital
Classification: Pathogenic for Infantile encephalopathy. Review status: criteria provided, single submitter. Criteria: Ait-El-Mkadem Am J Hum Genet. 2017. Collection method: clinical testing. Allele origin: inherited. Inheritance: Autosomal recessive inheritance. Affected: yes.

OMIM
Classification: Pathogenic for DEVELOPMENTAL AND EPILEPTIC ENCEPHALOPATHY 51. Last evaluated: 2024-04-18. Review status: no assertion criteria provided. Collection method: literature only. Allele origin: germline. Not counted in ClinVar's aggregate classification.

Service de Génétique Médicale, Centre Hospitalier Universitaire de Nice-Université Côte d'Azur
Classification: Pathogenic for Infantile encephalopathy. Review status: no assertion criteria provided. Collection method: clinical testing. Allele origin: inherited. Inheritance: Autosomal recessive inheritance. Affected: yes. Not counted in ClinVar's aggregate classification.

Literature cited by the submitters: PubMed 27989324 (cited by 5 submitters); PubMed 34712577 (cited by Labcorp Genetics (formerly Invitae), Labcorp and Women's Health and Genetics/Laboratory Corporation of America, LabCorp); PubMed 36420423 (cited by Women's Health and Genetics/Laboratory Corporation of America, LabCorp and OMIM).